The following is an entry in ClinVar:

NM_004092.4(ECHS1):c.4G>T (p.Ala2Ser)

Genes: ECHS1 (enoyl-CoA hydratase, short chain 1; minus strand), LOC130005023 (ATAC-STARR-seq lymphoblastoid silent region 2977; plus strand). Cytogenetic location: 10q26.3.
Variant type: single nucleotide variant.
Coding change: c.4G>T on transcript NM_004092.4 (MANE Select); coding-DNA position 4, G replaced by T.
Protein change: p.Ala2Ser; replaces alanine 2 with serine.
Molecular consequence: missense variant.
Genome position (GRCh38, 1-based): chr10:133,373,330, C>A on the plus strand (G>T on the coding strand, the complement: ECHS1 is on the minus strand). VCF-style: chr10-133373330-C-A. GRCh37 (hg19) VCF-style: chr10-135186834-C-A.
Other names: short protein forms A2S.
Identifiers: ClinVar variation 1349223 (VCV001349223.5), dbSNP rs1477933458, ClinGen allele CA378824561.

ClinVar aggregate classification (germline): Uncertain significance (1 of 4 stars; one submission).

Allele frequency attached by ClinVar (database versions not stated): gnomAD 0.00001; TOPMed 0.00002.
gnomAD v4.1: 78 of 1,502,510 alleles (0.0052%); highest among the groups gnomAD compares: Non-Finnish European, 0.0067%; no homozygotes.

Submission:

Labcorp Genetics (formerly Invitae), Labcorp
Classification: Uncertain significance. Last evaluated: 2021-08-27. Review status: criteria provided, single submitter. Criteria: Invitae Variant Classification Sherloc (09022015). Collection method: clinical testing. Allele origin: germline.
Comment: This sequence change replaces alanine with serine at codon 2 of the ECHS1 protein (p.Ala2Ser). The alanine residue is weakly conserved and there is a moderate physicochemical difference between alanine and serine. The frequency data for this variant in the population databases is considered unreliable, as metrics indicate insufficient coverage at this position in the ExAC database. This variant has not been reported in the literature in individuals affected with ECHS1-related conditions. Algorithms developed to predict the effect of missense changes on protein structure and function (SIFT, PolyPhen-2, Align-GVGD) all suggest that this variant is likely to be tolerated. In summary, the available evidence is currently insufficient to determine the role of this variant in disease. Therefore, it has been classified as a Variant of Uncertain Significance.